The following is an entry in ClinVar:

NM_004064.5(CDKN1B):c.34A>C (p.Ser12Arg)

Gene: CDKN1B (cyclin dependent kinase inhibitor 1B; plus strand). Cytogenetic location: 12p13.1.
Variant type: single nucleotide variant.
Coding change: c.34A>C on transcript NM_004064.5 (MANE Select); coding-DNA position 34, A replaced by C.
Protein change: p.Ser12Arg; replaces serine 12 with arginine.
Molecular consequence: missense variant.
Genome position (GRCh38, 1-based): chr12:12,717,873, A>C. VCF-style: chr12-12717873-A-C. GRCh37 (hg19) VCF-style: chr12-12870807-A-C.
Other names: short protein forms S12R.
Identifiers: ClinVar variation 3999740 (VCV003999740.1).

ClinVar aggregate classification (germline): Uncertain significance (1 of 4 stars; one submission).

Conditions:
Hereditary cancer-predisposing syndrome. Also called: Tumor predisposition; Hereditary neoplastic syndrome; Neoplastic Syndromes, Hereditary; Hereditary Cancer Syndrome. Identifiers: Orphanet 140162, MedGen C0027672, MeSH D009386, MONDO:0015356.

Submission:

Ambry Genetics
Classification: Uncertain significance for Hereditary cancer-predisposing syndrome. Last evaluated: 2025-04-25. Review status: criteria provided, single submitter. Criteria: Ambry Variant Classification Scheme 2023. Collection method: clinical testing. Allele origin: germline.
Comment: The p.S12R variant (also known as c.34A>C), located in coding exon 1 of the CDKN1B gene, results from an A to C substitution at nucleotide position 34. The serine at codon 12 is replaced by arginine, an amino acid with dissimilar properties. This amino acid position is conserved. In addition, this alteration is predicted to be tolerated by in silico analysis. Based on the available evidence, the clinical significance of this variant remains unclear.